The following is an entry in ClinVar:

NM_001367534.1(CAMK2G):c.1256C>T (p.Pro419Leu)

Gene: CAMK2G (calcium/calmodulin dependent protein kinase II gamma; minus strand). Cytogenetic location: 10q22.2.
Variant type: single nucleotide variant.
Coding change: c.1256C>T on transcript NM_001367534.1 (MANE Select); coding-DNA position 1256, C replaced by T.
Protein change: p.Pro419Leu; replaces proline 419 with leucine.
Molecular consequence: missense variant. On other transcripts: non-coding transcript variant (4), intron variant (20).
Genome position (GRCh38, 1-based): chr10:73,819,639, G>A on the plus strand (C>T on the coding strand, the complement: CAMK2G is on the minus strand). VCF-style: chr10-73819639-G-A. GRCh37 (hg19) VCF-style: chr10-75579397-G-A.
Other names: c.1187C>T, p.Pro396Leu (NM_001320898.2, NM_001367546.1, NM_001367547.1); c.1136C>T, p.Pro379Leu (NM_001367514.1, NM_001367525.1); c.1124C>T, p.Pro375Leu (NM_001367518.1, NM_001367522.1); c.1118C>T, p.Pro373Leu (NM_001367520.1, NM_001367533.1); c.941C>T, p.Pro314Leu (NM_001367524.1); c.1160C>T, p.Pro387Leu (NM_001367526.1, NM_172171.3); c.1154C>T, p.Pro385Leu (NM_001367527.1); c.1091C>T, p.Pro364Leu (NM_001367528.1, NM_001367545.1); and 18 more; short protein forms P157L, P260L, P305L, P314L, P364L, P373L, P375L, P379L.
Identifiers: ClinVar variation 3234994 (VCV003234994.1), dbSNP rs1479258170, ClinGen allele CA377299726.

ClinVar aggregate classification (germline): Uncertain significance (1 of 4 stars; one submission).

Conditions:
Intellectual developmental disorder 59. Also called: INTELLECTUAL DEVELOPMENTAL DISORDER, AUTOSOMAL DOMINANT 59; MENTAL RETARDATION, AUTOSOMAL DOMINANT 59. Identifiers: MedGen C5193190, MONDO:0032795, OMIM 618522.

Allele frequency attached by ClinVar (database versions not stated): gnomAD exomes below 0.00001; gnomAD 0.00001; TOPMed 0.00002.
gnomAD v4.1: 7 of 1,538,876 alleles (0.00045%); highest among the groups gnomAD compares: Non-Finnish European, 0.00052%; no homozygotes.

Submission:

Neuberg Centre For Genomic Medicine, NCGM
Classification: Uncertain significance for Intellectual developmental disorder 59. Review status: criteria provided, single submitter. Criteria: ACMG Guidelines, 2015. Collection method: clinical testing. Allele origin: germline. Inheritance: Autosomal dominant inheritance. Affected: yes.
Comment: The missense c.1256C>Tp.Pro419Leu variant in CAMK2G gene has not been reported previously as a pathogenic variant nor a benign variant, to our knowledge. The p.Pro419Leu variant is novel not in any individuals in gnomAD Exomes and 1000 Genomes. This variant has not been reported to the ClinVar database. The amino acid change p.Pro419Leu in CAMK2G is predicted as conserved by GERP++ and PhyloP across 100 vertebrates. The amino acid Pro at position 419 is changed to a Leu changing protein sequence and it might alter its composition and physico-chemical properties. For these reasons, this variant has been classified as a Variant of Uncertain Significance VUS.